The following is an entry in ClinVar:

NM_000057.4(BLM):c.1237G>A (p.Glu413Lys)

Gene: BLM (BLM RecQ like helicase; plus strand). Cytogenetic location: 15q26.1.
Variant type: single nucleotide variant.
Coding change: c.1237G>A on transcript NM_000057.4 (MANE Select); coding-DNA position 1237, G replaced by A.
Protein change: p.Glu413Lys; replaces glutamic acid 413 with lysine.
Molecular consequence: missense variant.
Genome position (GRCh38, 1-based): chr15:90,760,610, G>A. VCF-style: chr15-90760610-G-A. GRCh37 (hg19) VCF-style: chr15-91303840-G-A.
Other names: c.1237G>A, p.Glu413Lys (NM_001287246.2, NM_001287247.2); c.112G>A, p.Glu38Lys (NM_001287248.2); c.1237G>A (NM_000057.2); short protein forms E413K, E38K.
Identifiers: ClinVar variation 454072 (VCV000454072.15), dbSNP rs887921909, ClinGen allele CA274738048.

ClinVar aggregate classification (germline): Uncertain significance. Review status: criteria provided, multiple submitters, no conflicts (2 of 4 stars). 4 submissions from 4 submitters: Uncertain significance (3). 1 of the submissions does not count toward it. Last evaluated 2025-03-10.

Conditions:
Hereditary cancer-predisposing syndrome. Also called: Hereditary Cancer Syndrome; Hereditary neoplastic syndrome; Neoplastic Syndromes, Hereditary; Tumor predisposition. Identifiers: Orphanet 140162, MedGen C0027672, MeSH D009386, MONDO:0015356.
Bloom syndrome (BLM). Also called: Bloom-Torre-Machacek syndrome. Identifiers: Orphanet 125, MedGen C0005859, MONDO:0008876, OMIM 210900.

Allele frequency attached by ClinVar (database versions not stated): gnomAD exomes below 0.00001 and 0.00002; gnomAD 0.00005 and 0.00006; TOPMed 0.00005.
gnomAD v4.1: 32 of 1,611,320 alleles (0.002%); highest among the groups gnomAD compares: African/African-American, 0.012%; no homozygotes.

Submissions (4):

Ambry Genetics
Classification: Uncertain significance for Hereditary cancer-predisposing syndrome. Last evaluated: 2025-03-10. Review status: criteria provided, single submitter. Criteria: Ambry Variant Classification Scheme 2023. Collection method: clinical testing. Allele origin: germline.
Comment: The p.E413K variant (also known as c.1237G>A), located in coding exon 6 of the BLM gene, results from a G to A substitution at nucleotide position 1237. The glutamic acid at codon 413 is replaced by lysine, an amino acid with similar properties. This alteration was reported in a study testing individuals from the Colon Cancer Family Registry Cohort (Raskin L et al. Oncotarget, 2017 Nov;8:93450-93463). This amino acid position is not well conserved in available vertebrate species. In addition, this alteration is predicted to be tolerated by in silico analysis. Since supporting evidence is limited at this time, the clinical significance of this alteration remains unclear.

Labcorp Genetics (formerly Invitae), Labcorp
Classification: Uncertain significance for Bloom syndrome. Last evaluated: 2025-01-23. Review status: criteria provided, single submitter. Criteria: Invitae Variant Classification Sherloc (09022015). Collection method: clinical testing. Allele origin: germline.
Comment: This sequence change replaces glutamic acid, which is acidic and polar, with lysine, which is basic and polar, at codon 413 of the BLM protein (p.Glu413Lys). This variant is present in population databases (no rsID available, gnomAD 0.008%). This variant has not been reported in the literature in individuals affected with BLM-related conditions. ClinVar contains an entry for this variant (Variation ID: 454072). Invitae Evidence Modeling of protein sequence and biophysical properties (such as structural, functional, and spatial information, amino acid conservation, physicochemical variation, residue mobility, and thermodynamic stability) indicates that this missense variant is not expected to disrupt BLM protein function with a negative predictive value of 80%. In summary, the available evidence is currently insufficient to determine the role of this variant in disease. Therefore, it has been classified as a Variant of Uncertain Significance.

Baylor Genetics
Classification: Uncertain significance for Bloom syndrome. Last evaluated: 2019-07-09. Review status: criteria provided, single submitter. Criteria: ACMG Guidelines, 2015. Collection method: clinical testing. Allele origin: unknown. Affected: yes. Study: CSER-TexasKidsCanSeq.
Comment: This variant was determined to be of uncertain significance according to ACMG Guidelines, 2015 [PMID:25741868].

Natera, Inc.
Classification: Uncertain significance for Bloom syndrome. Last evaluated: 2017-08-09. Review status: no assertion criteria provided. Collection method: clinical testing. Allele origin: germline. Not counted in ClinVar's aggregate classification.

Literature cited by the submitters: PubMed 29212164 (cited by Ambry Genetics).